The following is an entry in ClinVar:

NM_001184.4(ATR):c.2826C>A (p.His942Gln)

Gene: ATR (ATR checkpoint kinase; minus strand). Cytogenetic location: 3q23.
Variant type: single nucleotide variant.
Coding change: c.2826C>A on transcript NM_001184.4 (MANE Select); coding-DNA position 2826, C replaced by A.
Protein change: p.His942Gln; replaces histidine 942 with glutamine.
Molecular consequence: missense variant.
Genome position (GRCh38, 1-based): chr3:142,550,282, G>T on the plus strand (C>A on the coding strand, the complement: ATR is on the minus strand). VCF-style: chr3-142550282-G-T. GRCh37 (hg19) VCF-style: chr3-142269124-G-T.
Other names: c.2634C>A, p.His878Gln (NM_001354579.2); short protein forms H878Q, H942Q.
Identifiers: ClinVar variation 3221101 (VCV003221101.1), dbSNP rs1455123206, ClinGen allele CA354813432.

ClinVar aggregate classification (germline): Uncertain significance (1 of 4 stars; one submission).

Conditions:
Inborn genetic diseases. Identifiers: MedGen C0950123, MeSH D030342.

Submission:

Ambry Genetics
Classification: Uncertain significance for Inborn genetic diseases. Last evaluated: 2023-10-09. Review status: criteria provided, single submitter. Criteria: Ambry Variant Classification Scheme 2023. Collection method: clinical testing. Allele origin: germline.
Comment: The p.H942Q variant (also known as c.2826C>A), located in coding exon 14 of the ATR gene, results from a C to A substitution at nucleotide position 2826. The histidine at codon 942 is replaced by glutamine, an amino acid with highly similar properties. This amino acid position is conserved. In addition, this alteration is predicted to be tolerated by in silico analysis. Since supporting evidence is limited at this time, the clinical significance of this alteration remains unclear.